The following is an entry in ClinVar:

NM_001130438.3(SPTAN1):c.3083A>G (p.Gln1028Arg)

Gene: SPTAN1 (spectrin alpha, non-erythrocytic 1; plus strand). Cytogenetic location: 9q34.11.
Variant type: single nucleotide variant.
Coding change: c.3083A>G on transcript NM_001130438.3 (MANE Select); coding-DNA position 3083, A replaced by G.
Protein change: p.Gln1028Arg; replaces glutamine 1028 with arginine.
Molecular consequence: missense variant.
Genome position (GRCh38, 1-based): chr9:128,591,553, A>G. VCF-style: chr9-128591553-A-G. GRCh37 (hg19) VCF-style: chr9-131353832-A-G.
Other names: c.3083A>G, p.Gln1028Arg (NM_001195532.2, NM_001363759.2, NM_001363765.2 and 5 more transcripts); c.3119A>G, p.Gln1040Arg (NM_001375312.2, NM_001375318.1); short protein forms Q1028R, Q1040R.
Identifiers: ClinVar variation 969241 (VCV000969241.10), dbSNP rs768500975, ClinGen allele CA5264821.
Genomic context (GRCh38, chr9:128,591,553, plus strand): 5'-AAGTGAACGATCGTCAGGGTTTTGTGCCGGCTGCGTACGTGAAGAAATTGGACCCCGCCC[A>G]GTCAGCCTCCCGGGAGAATCTCCTGGAGGAGCAAGGCAGCATAGCACTGCGGCAGGAGCA-3'
Protein context (NP_001123910.1, residues 1018-1038): AAYVKKLDPA[Gln1028Arg]SASRENLLEE

ClinVar aggregate classification (germline): Uncertain significance (1 of 4 stars; one submission).

Conditions:
Early-infantile DEE. Also called: Ohtahara syndrome; Early infantile epileptic encephalopathy with suppression bursts; Early infantile epileptic encephalopathy. Identifiers: Orphanet 1934, MedGen C0393706, MONDO:0800491.

Allele frequency attached by ClinVar (database versions not stated): gnomAD exomes below 0.00001; ExAC 0.00001; gnomAD 0.00001.
gnomAD v4.1: 2 of 1,614,078 alleles (0.00012%); highest among the groups gnomAD compares: Admixed American, 0.0033%; no homozygotes.

Submission:

Labcorp Genetics (formerly Invitae), Labcorp
Classification: Uncertain significance for Early-infantile DEE. Last evaluated: 2023-11-07. Review status: criteria provided, single submitter. Criteria: Invitae Variant Classification Sherloc (09022015). Collection method: clinical testing. Allele origin: germline.
Comment: This sequence change replaces glutamine, which is neutral and polar, with arginine, which is basic and polar, at codon 1028 of the SPTAN1 protein (p.Gln1028Arg). This variant is present in population databases (rs768500975, gnomAD 0.006%). This variant has not been reported in the literature in individuals affected with SPTAN1-related conditions. ClinVar contains an entry for this variant (Variation ID: 969241). Advanced modeling of protein sequence and biophysical properties (such as structural, functional, and spatial information, amino acid conservation, physicochemical variation, residue mobility, and thermodynamic stability) has been performed at Invitae for this missense variant, however the output from this modeling did not meet the statistical confidence thresholds required to predict the impact of this variant on SPTAN1 protein function. In summary, the available evidence is currently insufficient to determine the role of this variant in disease. Therefore, it has been classified as a Variant of Uncertain Significance.